The following is an entry in ClinVar:

NM_001128840.3(CACNA1D):c.3226A>G (p.Ile1076Val)

Gene: CACNA1D (calcium voltage-gated channel subunit alpha1 D; plus strand). Cytogenetic location: 3p21.1.
Variant type: single nucleotide variant.
Coding change: c.3226A>G on transcript NM_001128840.3 (MANE Select); coding-DNA position 3226, A replaced by G.
Protein change: p.Ile1076Val; replaces isoleucine 1076 with valine.
Molecular consequence: missense variant.
Genome position (GRCh38, 1-based): chr3:53,747,360, A>G. VCF-style: chr3-53747360-A-G. GRCh37 (hg19) VCF-style: chr3-53781387-A-G.
Other names: c.3286A>G, p.Ile1096Val (NM_000720.4); c.3226A>G, p.Ile1076Val (NM_001128839.3); short protein forms I1076V, I1096V.
Identifiers: ClinVar variation 4811155 (VCV004811155.1).

ClinVar aggregate classification (germline): Uncertain significance (1 of 4 stars; one submission).

gnomAD v4.1: 1 of 1,614,032 alleles (0.000062%); highest among the groups gnomAD compares: African/African-American, 0.0013%; no homozygotes.

Submission:

Labcorp Genetics (formerly Invitae), Labcorp
Classification: Uncertain significance. Last evaluated: 2025-06-12. Review status: criteria provided, single submitter. Criteria: Invitae Variant Classification Sherloc (09022015). Collection method: clinical testing. Allele origin: germline.
Comment: This sequence change replaces isoleucine, which is neutral and non-polar, with valine, which is neutral and non-polar, at codon 1096 of the CACNA1D protein (p.Ile1096Val). This variant is not present in population databases (gnomAD no frequency). This variant has not been reported in the literature in individuals affected with CACNA1D-related conditions. Invitae Evidence Modeling of protein sequence and biophysical properties (such as structural, functional, and spatial information, amino acid conservation, physicochemical variation, residue mobility, and thermodynamic stability) indicates that this missense variant is not expected to disrupt CACNA1D protein function with a negative predictive value of 80%. In summary, the available evidence is currently insufficient to determine the role of this variant in disease. Therefore, it has been classified as a Variant of Uncertain Significance.